The following is an entry in ClinVar:

NM_001367624.2(ZNF469):c.4033C>G (p.Leu1345Val)

Gene: ZNF469 (zinc finger protein 469; plus strand). Cytogenetic location: 16q24.2.
Variant type: single nucleotide variant.
Coding change: c.4033C>G on transcript NM_001367624.2 (MANE Select); coding-DNA position 4033, C replaced by G.
Protein change: p.Leu1345Val; replaces leucine 1345 with valine.
Molecular consequence: missense variant.
Genome position (GRCh38, 1-based): chr16:88,431,503, C>G. VCF-style: chr16-88431503-C-G. GRCh37 (hg19) VCF-style: chr16-88497911-C-G.
Other names: NM_001127464.1:c.3949C>G; short protein forms L1345V.
Identifiers: ClinVar variation 1424131 (VCV001424131.4), dbSNP rs2142305273, ClinGen allele CA397088739.

ClinVar aggregate classification (germline): Uncertain significance. Review status: criteria provided, multiple submitters, no conflicts (2 of 4 stars). 2 submissions from 2 submitters: Uncertain significance (2). Last evaluated 2024-09-24.

Submissions (2):

GeneDx
Classification: Uncertain significance. Last evaluated: 2024-09-24. Review status: criteria provided, single submitter. Criteria: GeneDx Variant Classification Process June 2021. Collection method: clinical testing. Allele origin: germline. Affected: yes.
Comment: Not observed at significant frequency in large population cohorts (gnomAD); In silico analysis indicates that this missense variant does not alter protein structure/function; Has not been previously published as pathogenic or benign to our knowledge

Labcorp Genetics (formerly Invitae), Labcorp
Classification: Uncertain significance. Last evaluated: 2021-09-25. Review status: criteria provided, single submitter. Criteria: Invitae Variant Classification Sherloc (09022015). Collection method: clinical testing. Allele origin: germline.
Comment: This sequence change replaces leucine with valine at codon 1317 of the ZNF469 protein (p.Leu1317Val). The leucine residue is moderately conserved and there is a small physicochemical difference between leucine and valine. This variant is not present in population databases (ExAC no frequency). This variant has not been reported in the literature in individuals with ZNF469-related conditions. Algorithms developed to predict the effect of missense changes on protein structure and function (SIFT, PolyPhen-2, Align-GVGD) all suggest that this variant is likely to be tolerated, but these predictions have not been confirmed by published functional studies and their clinical significance is uncertain. In summary, the available evidence is currently insufficient to determine the role of this variant in disease. Therefore, it has been classified as a Variant of Uncertain Significance.